The following is an entry in ClinVar:

NM_016373.4(WWOX):c.906C>G (p.Leu302=)

Gene: WWOX (WW domain containing oxidoreductase; plus strand). Cytogenetic location: 16q23.1.
Variant type: single nucleotide variant.
Coding change: c.906C>G on transcript NM_016373.4 (MANE Select); coding-DNA position 906, C replaced by G.
Protein change: p.Leu302=; no amino-acid change (leucine 302 retained).
Molecular consequence: synonymous variant.
Genome position (GRCh38, 1-based): chr16:78,432,602, C>G. VCF-style: chr16-78432602-C-G. GRCh37 (hg19) VCF-style: chr16-78466499-C-G.
Other names: c.567C>G, p.Leu189= (NM_001291997.2).
Identifiers: ClinVar variation 4823334 (VCV004823334.4).

ClinVar aggregate classification (germline): Likely benign (1 of 4 stars; one submission).

gnomAD v4.1: 1 of 1,614,226 alleles (0.000062%); highest among the groups gnomAD compares: South Asian, 0.0011%; no homozygotes.

Submission:

CeGaT Center for Human Genetics Tuebingen
Classification: Likely benign. Last evaluated: 2026-02-01. Review status: criteria provided, single submitter. Criteria: CeGaT Center For Human Genetics Tuebingen Variant Classification Criteria Version 2. Collection method: clinical testing. Allele origin: germline. Affected: yes. Observed: 1 variant allele.
Comment: WWOX: BP4, BP7